The following is an entry in ClinVar:

ClinVar aggregate classification (germline): Uncertain significance (1 of 4 stars; one submission).

gnomAD v4.1: 1 of 1,210,248 alleles (0.000083%); highest among the groups gnomAD compares: Non-Finnish European, 0.00011%; no homozygotes.

Submission:

GeneDx
Classification: Uncertain significance. Last evaluated: 2024-08-30. Review status: criteria provided, single submitter. Criteria: GeneDx Variant Classification Process June 2021. Collection method: clinical testing. Allele origin: germline. Affected: yes.
Comment: Not observed at significant frequency in large population cohorts (gnomAD); In silico analysis supports that this missense variant has a deleterious effect on protein structure/function; Has not been previously published as pathogenic or benign to our knowledge

NM_001257291.2(SLC9A7):c.1487C>T (p.Ala496Val)

Gene: SLC9A7 (solute carrier family 9 member A7; minus strand). Cytogenetic location: Xp11.3.
Variant type: single nucleotide variant.
Coding change: c.1487C>T on transcript NM_001257291.2 (MANE Select); coding-DNA position 1487, C replaced by T.
Protein change: p.Ala496Val; replaces alanine 496 with valine.
Molecular consequence: missense variant.
Genome position (GRCh38, 1-based): chrX:46,643,365, G>A on the plus strand (C>T on the coding strand, the complement: SLC9A7 is on the minus strand). VCF-style: chrX-46643365-G-A. GRCh37 (hg19) VCF-style: chrX-46502800-G-A.
Other names: c.1484C>T, p.Ala495Val (NM_032591.3); short protein forms A495V, A496V.
Identifiers: ClinVar variation 3765917 (VCV003765917.1).
Genomic context (GRCh38, chrX:46,643,365, plus strand): 5'-AGAAGGGTGGTCGTGAACATCATCTGGCGAGCATAGGATGCCGTGTCACGGATGGCCAAC[G>A]CAAATGCCATTGCTCCCCTGAGGCCTGCGGGGACCAAAGAAGAAGATCTACTTATAAGGA-3'
Protein context (NP_001244220.1, residues 486-506): FSGLRGAMAF[Ala496Val]LAIRDTASYA